The following is an entry in ClinVar:

ClinVar aggregate classification (germline): Uncertain significance. Review status: criteria provided, multiple submitters, no conflicts (2 of 4 stars). 2 submissions from 2 submitters: Uncertain significance (2). Last evaluated 2024-10-21.

Conditions:
T-B+ severe combined immunodeficiency due to JAK3 deficiency. Also called: SCID, T CELL-NEGATIVE, B CELL-POSITIVE, NK CELL-NEGATIVE; SCID, autosomal recessive, T-negative/B-positive type. Identifiers: Orphanet 35078, MedGen C1833275, MONDO:0010938, OMIM 600802.

Allele frequency attached by ClinVar (database versions not stated): gnomAD exomes 0.00001; ExAC 0.00007.
gnomAD v4.1: 15 of 1,574,828 alleles (0.00095%); highest among the groups gnomAD compares: Middle Eastern, 0.065%; no homozygotes.

Submissions (2):

Labcorp Genetics (formerly Invitae), Labcorp
Classification: Uncertain significance for T-B+ severe combined immunodeficiency due to JAK3 deficiency. Last evaluated: 2024-10-21. Review status: criteria provided, single submitter. Criteria: Invitae Variant Classification Sherloc (09022015). Collection method: clinical testing. Allele origin: germline.
Comment: This sequence change falls in intron 6 of the JAK3 gene. It does not directly change the encoded amino acid sequence of the JAK3 protein. It affects a nucleotide within the consensus splice site. The frequency data for this variant in the population databases is considered unreliable, as metrics indicate poor data quality at this position in the gnomAD database. This variant has not been reported in the literature in individuals affected with JAK3-related conditions. ClinVar contains an entry for this variant (Variation ID: 1493821). Variants that disrupt the consensus splice site are a relatively common cause of aberrant splicing (PMID: 17576681, 9536098). Algorithms developed to predict the effect of sequence changes on RNA splicing suggest that this variant is not likely to affect RNA splicing. In summary, the available evidence is currently insufficient to determine the role of this variant in disease. Therefore, it has been classified as a Variant of Uncertain Significance.

Blueprint Genetics
Classification: Uncertain significance. Last evaluated: 2024-04-23. Review status: criteria provided, single submitter. Criteria: ACMG Guidelines, 2015. Collection method: clinical testing. Allele origin: germline.

Literature cited by the submitters: PubMed 17576681 (cited by Labcorp Genetics (formerly Invitae), Labcorp); PubMed 9536098 (cited by Labcorp Genetics (formerly Invitae), Labcorp).

NM_000215.4(JAK3):c.861+6G>A

Gene: JAK3 (Janus kinase 3; minus strand). Cytogenetic location: 19p13.11.
Variant type: single nucleotide variant.
Coding change: c.861+6G>A on transcript NM_000215.4 (MANE Select); 6 bases into the intron after coding-DNA position 861, G replaced by A.
Molecular consequence: intron variant.
Genome position (GRCh38, 1-based): chr19:17,842,310, C>T on the plus strand (G>A on the coding strand, the complement: JAK3 is on the minus strand). VCF-style: chr19-17842310-C-T. GRCh37 (hg19) VCF-style: chr19-17953119-C-T.
Identifiers: ClinVar variation 1493821 (VCV001493821.7), dbSNP rs748305273, ClinGen allele CA9302072.